The following is an entry in ClinVar:

ClinVar aggregate classification (germline): Uncertain significance (1 of 4 stars; one submission).

Conditions:
Hypertrophic cardiomyopathy. Also called: HYPERTROPHIC MYOCARDIOPATHY. Identifiers: Orphanet 217569, MedGen C0007194, MeSH D002312, MONDO:0005045, HP:0001639.

Allele frequency attached by ClinVar (database versions not stated): gnomAD 0.00001; TOPMed 0.00001; ExAC 0.00002; ESP Exome Variant Server 0.00008.
gnomAD v4.1: 10 of 1,609,230 alleles (0.00062%); highest among the groups gnomAD compares: Middle Eastern, 0.016%; no homozygotes.

Submission:

Labcorp Genetics (formerly Invitae), Labcorp
Classification: Uncertain significance for Hypertrophic cardiomyopathy. Last evaluated: 2025-08-25. Review status: criteria provided, single submitter. Criteria: Invitae Variant Classification Sherloc (09022015). Collection method: clinical testing. Allele origin: germline.
Comment: This sequence change affects an acceptor splice site in intron 28 of the MYOM1 gene. It is expected to disrupt RNA splicing. Variants that disrupt the donor or acceptor splice site typically lead to a loss of protein function (PMID: 16199547), however the current clinical and genetic evidence is not sufficient to establish whether loss-of-function variants in MYOM1 cause disease. This variant is present in population databases (rs374024312, gnomAD 0.003%). This variant has not been reported in the literature in individuals affected with MYOM1-related conditions. ClinVar contains an entry for this variant (Variation ID: 2069566). Algorithms developed to predict the effect of sequence changes on RNA splicing suggest that this variant may disrupt the consensus splice site. In summary, the available evidence is currently insufficient to determine the role of this variant in disease. Therefore, it has been classified as a Variant of Uncertain Significance.

Literature cited by the submitters: PubMed 16199547.

NM_003803.4(MYOM1):c.4070-1G>C

Gene: MYOM1 (myomesin 1; minus strand). Cytogenetic location: 18p11.31.
Variant type: single nucleotide variant.
Coding change: c.4070-1G>C on transcript NM_003803.4 (MANE Select); the canonical splice acceptor site of the intron before coding-DNA position 4070, G replaced by C.
Molecular consequence: splice acceptor variant.
Genome position (GRCh38, 1-based): chr18:3,089,242, C>G on the plus strand (G>C on the coding strand, the complement: MYOM1 is on the minus strand). VCF-style: chr18-3089242-C-G. GRCh37 (hg19) VCF-style: chr18-3089240-C-G.
Other names: c.3782-1G>C (NM_019856.2).
Identifiers: ClinVar variation 2069566 (VCV002069566.4), dbSNP rs374024312, ClinGen allele CA8874061.